The following is an entry in ClinVar:

ClinVar aggregate classification (germline): Benign/Likely benign. Review status: criteria provided, multiple submitters, no conflicts (2 of 4 stars). 2 submissions from 2 submitters: Benign (1); Likely benign (1). Last evaluated 2025-09-16.

Conditions:
Long QT syndrome (LQTS). Identifiers: MedGen C0023976, MeSH D008133, MONDO:0002442. Disease mechanism: loss of function. Inheritance: Various modes of inheritance.

Allele frequency attached by ClinVar (database versions not stated): gnomAD 0.00001; TOPMed 0.00001; ExAC 0.00002; gnomAD exomes 0.00002.
gnomAD v4.1: 31 of 1,612,770 alleles (0.0019%); highest among the groups gnomAD compares: African/African-American, 0.0027%; 1 homozygote.

Submissions (2):

Labcorp Genetics (formerly Invitae), Labcorp
Classification: Likely benign for Long QT syndrome. Last evaluated: 2025-09-16. Review status: criteria provided, single submitter. Criteria: Invitae Variant Classification Sherloc (09022015). Collection method: clinical testing. Allele origin: germline.

GeneDx
Classification: Benign. Last evaluated: 2017-05-30. Review status: criteria provided, single submitter. Criteria: GeneDx Variant Classification (06012015). Collection method: clinical testing. Allele origin: germline. Affected: yes.
Comment: This variant is considered likely benign or benign based on one or more of the following criteria: it is a conservative change, it occurs at a poorly conserved position in the protein, it is predicted to be benign by multiple in silico algorithms, and/or has population frequency not consistent with disease.

NM_001148.6(ANK2):c.4372-20T>C

Gene: ANK2 (ankyrin 2; plus strand). Cytogenetic location: 4q26.
Variant type: single nucleotide variant.
Coding change: c.4372-20T>C on transcript NM_001148.6 (MANE Select); 20 bases into the intron before coding-DNA position 4372, T replaced by C.
Molecular consequence: intron variant.
Genome position (GRCh38, 1-based): chr4:113,348,256, T>C. VCF-style: chr4-113348256-T-C. GRCh37 (hg19) VCF-style: chr4-114269412-T-C.
Other names: c.4357-20T>C (NM_001386186.2, NM_001386148.2); c.4159-20T>C (NM_001354269.3); c.4237-20T>C (NM_001386187.2); c.4231-1972T>C (NM_001386147.1); c.4216-20T>C (NM_001386160.1); c.4321-20T>C (NM_001354254.2); c.4342-20T>C (NM_001354239.2, NM_001354252.2); c.4243-20T>C (NM_001354272.2); and 33 more.
Identifiers: ClinVar variation 516207 (VCV000516207.3), dbSNP rs748202207, ClinGen allele CA3051070.